The following is an entry in ClinVar:

ClinVar aggregate classification (germline): Uncertain significance. Review status: criteria provided, multiple submitters, no conflicts (2 of 4 stars). 5 submissions from 5 submitters: Uncertain significance (5). Last evaluated 2025-12-23.

Conditions:
Cardiac arrhythmia. Also called: Arrhythmia; Cardiac rhythm disease. Identifiers: MedGen C0003811, MONDO:0007263, HP:0011675.
Cardiovascular phenotype. Identifiers: MedGen CN230736.
Long QT syndrome (LQTS). Identifiers: MedGen C0023976, MeSH D008133, MONDO:0002442. Disease mechanism: loss of function. Inheritance: Various modes of inheritance.

Allele frequency attached by ClinVar (database versions not stated): TOPMed 0.00003; gnomAD exomes 0.00005; gnomAD 0.00006.
gnomAD v4.1: 41 of 1,546,034 alleles (0.0027%); highest among the groups gnomAD compares: African/African-American, 0.0027%; no homozygotes.

Submissions (5):

Labcorp Genetics (formerly Invitae), Labcorp
Classification: Uncertain significance for Long QT syndrome. Last evaluated: 2025-12-23. Review status: criteria provided, single submitter. Criteria: Invitae Variant Classification Sherloc (09022015). Collection method: clinical testing. Allele origin: germline.
Comment: This sequence change replaces aspartic acid, which is acidic and polar, with asparagine, which is neutral and polar, at codon 673 of the KCNQ1 protein (p.Asp673Asn). The frequency data for this variant in the population databases is considered unreliable, as metrics indicate poor data quality at this position in the gnomAD database. This variant has not been reported in the literature in individuals affected with KCNQ1-related conditions. ClinVar contains an entry for this variant (Variation ID: 450725). Invitae Evidence Modeling of protein sequence and biophysical properties (such as structural, functional, and spatial information, amino acid conservation, physicochemical variation, residue mobility, and thermodynamic stability) indicates that this missense variant is not expected to disrupt KCNQ1 protein function with a negative predictive value of 95%. In summary, the available evidence is currently insufficient to determine the role of this variant in disease. Therefore, it has been classified as a Variant of Uncertain Significance.

Color Diagnostics, LLC DBA Color Health
Classification: Uncertain significance for Cardiac arrhythmia. Last evaluated: 2024-11-05. Review status: criteria provided, single submitter. Criteria: ACMG Guidelines, 2015. Collection method: clinical testing. Allele origin: germline.
Comment: This missense variant replaces aspartic acid with asparagine at codon 673 of the KCNQ1 protein. Computational prediction suggests that this variant may not impact protein structure and function. To our knowledge, functional studies have not been reported for this variant. This variant has not been reported in individuals affected with KCNQ1-related disorders in the literature. This variant has been identified in 10/186262 chromosomes in the general population by the Genome Aggregation Database (gnomAD). The available evidence is insufficient to determine the role of this variant in disease conclusively. Therefore, this variant is classified as a Variant of Uncertain Significance.

All of Us Research Program, National Institutes of Health
Classification: Uncertain significance for Long QT syndrome. Last evaluated: 2023-12-01. Review status: criteria provided, single submitter. Criteria: ACMG Guidelines, 2015. Collection method: clinical testing. Allele origin: germline. Inheritance: Autosomal dominant inheritance. Observed: 5 variant alleles, 5 heterozygotes.
Comment: This missense variant replaces aspartic acid with asparagine at codon 673 of the KCNQ1 protein. Computational prediction tool suggests that this variant may not impact protein structure and function (internally defined REVEL score threshold <=0.5, PMID: 27666373). Splice site prediction tools suggest that this variant may not impact RNA splicing. To our knowledge, functional studies have not been performed for this variant. This variant has not been reported in individuals affected with cardiovascular disorders in the literature. This variant has been identified in 10/186262 chromosomes in the general population by the Genome Aggregation Database (gnomAD). The available evidence is insufficient to determine the role of this variant in disease conclusively. Therefore, this variant is classified as a Variant of Uncertain Significance.

This study involves interpretation of variants in research participants for the purpose of population health screening. Participant phenotype was not available at the time of variant classification. Additional details can be found in publication PMID: 35346344, PMCID: PMC8962531

GeneDx
Classification: Uncertain significance. Last evaluated: 2023-03-23. Review status: criteria provided, single submitter. Criteria: GeneDx Variant Classification Process June 2021. Collection method: clinical testing. Allele origin: germline. Affected: yes.
Comment: Has not been previously published as pathogenic or benign to our knowledge; In silico analysis supports that this missense variant does not alter protein structure/function

Ambry Genetics
Classification: Uncertain significance for Cardiovascular phenotype. Last evaluated: 2022-10-24. Review status: criteria provided, single submitter. Criteria: Ambry Variant Classification Scheme 2023. Collection method: clinical testing. Allele origin: germline.
Comment: The p.D673N variant (also known as c.2017G>A), located in coding exon 16 of the KCNQ1 gene, results from a G to A substitution at nucleotide position 2017. The aspartic acid at codon 673 is replaced by asparagine, an amino acid with highly similar properties, and is located in the C-terminal region of the protein. This amino acid position is well conserved in available vertebrate species. In addition, the in silico prediction for this alteration is inconclusive. Since supporting evidence is limited at this time, the clinical significance of this alteration remains unclear.

NM_000218.3(KCNQ1):c.2017G>A (p.Asp673Asn)

Genes: KCNQ1 (potassium voltage-gated channel subfamily Q member 1; plus strand), KCNQ1-AS1 (KCNQ1 antisense RNA 1; minus strand). Cytogenetic location: 11p15.4.
Variant type: single nucleotide variant.
Coding change: c.2017G>A on transcript NM_000218.3 (MANE Select); coding-DNA position 2017, G replaced by A.
Protein change: p.Asp673Asn; replaces aspartic acid 673 with asparagine.
Molecular consequence: missense variant.
Genome position (GRCh38, 1-based): chr11:2,847,989, G>A. VCF-style: chr11-2847989-G-A. GRCh37 (hg19) VCF-style: chr11-2869219-G-A.
Other names: c.1636G>A, p.Asp546Asn (NM_181798.2); c.1921G>A, p.Asp641Asn (NM_001406836.1); c.1747G>A, p.Asp583Asn (NM_001406837.1); c.1477G>A, p.Asp493Asn (NM_001406838.1); c.529G>A, p.Asp177Asn (NM_001406839.1); short protein forms D546N, D673N, D583N, D493N, D177N, D641N.
Identifiers: ClinVar variation 450725 (VCV000450725.22), dbSNP rs866169644, ClinGen allele CA379140627.